The following is an entry in ClinVar:

NM_007194.4(CHEK2):c.1583_1602dup (p.Pro536fs)

Gene: CHEK2 (checkpoint kinase 2; minus strand). Cytogenetic location: 22q12.1.
Variant type: Duplication.
Coding change: c.1583_1602dup on transcript NM_007194.4 (MANE Select); coding-DNA positions 1583 to 1602, 20 bases duplicated (AGGGTGCCGAGACCACAAAG).
Protein change: p.Pro536fs; shifts the reading frame from proline 536.
Molecular consequence: frameshift variant.
Genome position (GRCh38, 1-based): chr22:28,687,927-28,687,946, CTTTGTGGTCTCGGCACCCT duplicated on the plus strand (AGGGTGCCGAGACCACAAAG on the coding strand, the reverse complement: CHEK2 is on the minus strand); duplicating any 20 consecutive bases within chr22:28,687,927-28,687,947 gives the same sequence; the c. name uses the placement nearest the transcript's 3' end. VCF-style (leftmost placement, unchanged base first): chr22-28687926-G-GCTTTGTGGTCTCGGCACCCT. GRCh37 (hg19) VCF-style: chr22-29083914-G-GCTTTGTGGTCTCGGCACCCT.
Other names: c.1711_1730dup, p.Pro579Valfs (NM_001005735.3); c.919_938dup, p.Pro315Valfs (NM_001257387.3); c.1381_1400dup, p.Pro469Valfs (NM_001349956.3); c.1495_1514dup, p.Pro507Valfs (NM_145862.3); short protein forms P536fs, P507fs, P579fs, P315fs, P469fs.
Identifiers: ClinVar variation 1375581 (VCV001375581.7), dbSNP rs2145737506, ClinGen allele CA2573157921.

ClinVar aggregate classification (germline): Uncertain significance (1 of 4 stars; one submission).

Conditions:
Familial cancer of breast. Also called: Hereditary breast cancer; BREAST CANCER, FAMILIAL; hereditary breast carcinoma. Identifiers: Orphanet 227535, MedGen C0346153, MONDO:0016419, OMIM 114480. Disease mechanism: loss of function.

Submission:

Labcorp Genetics (formerly Invitae), Labcorp
Classification: Uncertain significance for Familial cancer of breast. Last evaluated: 2021-08-17. Review status: criteria provided, single submitter. Criteria: Invitae Variant Classification Sherloc (09022015). Collection method: clinical testing. Allele origin: germline.
Comment: This sequence change results in a frameshift in the CHEK2 gene (p.Pro536Valfs*37). While this is not anticipated to result in nonsense mediated decay, it is expected to disrupt the last 8 amino acid(s) of the CHEK2 protein and extend the protein by 27 additional amino acid residues. This variant is not present in population databases (ExAC no frequency). In summary, the available evidence is currently insufficient to determine the role of this variant in disease. Therefore, it has been classified as a Variant of Uncertain Significance. Algorithms developed to predict the effect of sequence changes on RNA splicing suggest that this variant may create or strengthen a splice site. This variant has not been reported in the literature in individuals affected with CHEK2-related conditions.